The following is an entry in ClinVar:

ClinVar aggregate classification (germline): Conflicting classifications of pathogenicity. Review status: criteria provided, conflicting classifications (1 of 4 stars). 3 submissions from 3 submitters: Uncertain significance (1); Likely benign (1). 1 of the submissions does not count toward it. Last evaluated 2024-10-30.

Conditions:
TBX3-related disorder. Also called: TBX3-related condition.
Ulnar-mammary syndrome (UMS). Also called: SCHINZEL SYNDROME; Ulnar-mammary syndrome of Pallister; PALLISTER ULNAR-MAMMARY SYNDROME. Identifiers: Orphanet 3138, MedGen C1866994, MONDO:0008411, OMIM 181450.

Allele frequency attached by ClinVar (database versions not stated): gnomAD 0.00004 and 0.00005; TOPMed 0.00005; ExAC 0.00009; ESP Exome Variant Server 0.00015.
gnomAD v4.1: 65 of 1,597,084 alleles (0.0041%); highest among the groups gnomAD compares: Middle Eastern, 0.016%; no homozygotes.

Submissions (3):

Labcorp Genetics (formerly Invitae), Labcorp
Classification: Likely benign for Ulnar-mammary syndrome. Last evaluated: 2024-10-30. Review status: criteria provided, single submitter. Criteria: Invitae Variant Classification Sherloc (09022015). Collection method: clinical testing. Allele origin: germline.

Illumina Laboratory Services, Illumina
Classification: Uncertain significance for Ulnar-mammary syndrome. Last evaluated: 2018-01-13. Review status: criteria provided, single submitter. Criteria: ICSL Variant Classification Criteria 13 December 2019. Collection method: clinical testing. Allele origin: germline.

PreventionGenetics, part of Exact Sciences
Classification: Likely benign for TBX3-related condition. Last evaluated: 2022-11-02. Review status: no assertion criteria provided. Collection method: clinical testing. Allele origin: germline. Not counted in ClinVar's aggregate classification.
Comment: This variant is classified as likely benign based on ACMG/AMP sequence variant interpretation guidelines (Richards et al. 2015 PMID: 25741868, with internal and published modifications).

NM_005996.4(TBX3):c.2004G>A (p.Ser668=)

Gene: TBX3 (T-box transcription factor 3; minus strand). Cytogenetic location: 12q24.21.
Variant type: single nucleotide variant.
Coding change: c.2004G>A on transcript NM_005996.4 (MANE Select); coding-DNA position 2004, G replaced by A.
Protein change: p.Ser668=; no amino-acid change (serine 668 retained).
Molecular consequence: synonymous variant.
Genome position (GRCh38, 1-based): chr12:114,672,009, C>T on the plus strand (G>A on the coding strand, the complement: TBX3 is on the minus strand). VCF-style: chr12-114672009-C-T. GRCh37 (hg19) VCF-style: chr12-115109814-C-T.
Other names: c.2064G>A (NM_016569.3); c.2064G>A, p.Ser688= (NM_016569.4).
Identifiers: ClinVar variation 307354 (VCV000307354.15), dbSNP rs139599654, ClinGen allele CA6809803.